The following is an entry in ClinVar:

ClinVar aggregate classification (germline): Uncertain significance (1 of 4 stars; one submission).

Allele frequency attached by ClinVar (database versions not stated): gnomAD 0.00001; TOPMed 0.00002; ExAC 0.00003.
gnomAD v4.1: 14 of 1,613,526 alleles (0.00087%); highest among the groups gnomAD compares: African/African-American, 0.0027%; no homozygotes.

Submission:

Labcorp Genetics (formerly Invitae), Labcorp
Classification: Uncertain significance. Last evaluated: 2025-06-27. Review status: criteria provided, single submitter. Criteria: Invitae Variant Classification Sherloc (09022015). Collection method: clinical testing. Allele origin: germline.
Comment: This sequence change replaces valine, which is neutral and non-polar, with isoleucine, which is neutral and non-polar, at codon 1335 of the RIMS1 protein (p.Val1335Ile). This variant is present in population databases (rs768977249, gnomAD 0.01%). This variant has not been reported in the literature in individuals affected with RIMS1-related conditions. ClinVar contains an entry for this variant (Variation ID: 963021). An algorithm developed to predict the effect of missense changes on protein structure and function (PolyPhen-2) suggests that this variant is likely to be disruptive. In summary, the available evidence is currently insufficient to determine the role of this variant in disease. Therefore, it has been classified as a Variant of Uncertain Significance.

NM_014989.7(RIMS1):c.4003G>A (p.Val1335Ile)

Gene: RIMS1 (regulating synaptic membrane exocytosis 1; plus strand). Cytogenetic location: 6q13.
Variant type: single nucleotide variant.
Coding change: c.4003G>A on transcript NM_014989.7 (MANE Select); coding-DNA position 4003, G replaced by A.
Protein change: p.Val1335Ile; replaces valine 1335 with isoleucine.
Molecular consequence: missense variant. On other transcripts: intron variant (24).
Genome position (GRCh38, 1-based): chr6:72,313,545, G>A. VCF-style: chr6-72313545-G-A. GRCh37 (hg19) VCF-style: chr6-73023248-G-A.
Other names: c.1963G>A, p.Val655Ile (NM_001168407.2); c.1924G>A, p.Val642Ile (NM_001350414.2); c.2047G>A, p.Val683Ile (NM_001350415.2); c.1996G>A, p.Val666Ile (NM_001350416.2); c.1969G>A, p.Val657Ile (NM_001350418.2); c.2077G>A, p.Val693Ile (NM_001350420.2); c.1822G>A, p.Val608Ile (NM_001350421.2); c.1738G>A, p.Val580Ile (NM_001350423.2, NM_001350444.2); and 51 more; short protein forms V1335I, V575I, V602I, V625I, V635I, V717I, V499I, V551I.
Identifiers: ClinVar variation 963021 (VCV000963021.7), dbSNP rs768977249, ClinGen allele CA3886422.